The following is an entry in ClinVar:

ClinVar aggregate classification (germline): Uncertain significance (1 of 4 stars; one submission).

Conditions:
Townes syndrome (TBS). Also called: Townes-Brocks syndrome. Identifiers: Orphanet 857, MedGen C0265246, MeSH C536974, MONDO:0007142.

gnomAD v4.1: 14 of 1,613,846 alleles (0.00087%); highest among the groups gnomAD compares: Non-Finnish European, 0.0011%; no homozygotes.

Submission:

Labcorp Genetics (formerly Invitae), Labcorp
Classification: Uncertain significance for Townes syndrome. Last evaluated: 2024-04-20. Review status: criteria provided, single submitter. Criteria: Invitae Variant Classification Sherloc (09022015). Collection method: clinical testing. Allele origin: germline.
Comment: This sequence change replaces proline, which is neutral and non-polar, with alanine, which is neutral and non-polar, at codon 90 of the SALL1 protein (p.Pro90Ala). This variant is present in population databases (rs749198993, gnomAD 0.0009%). This variant has not been reported in the literature in individuals affected with SALL1-related conditions. Advanced modeling of protein sequence and biophysical properties (such as structural, functional, and spatial information, amino acid conservation, physicochemical variation, residue mobility, and thermodynamic stability) performed at Invitae indicates that this missense variant is not expected to disrupt SALL1 protein function with a negative predictive value of 80%. In summary, the available evidence is currently insufficient to determine the role of this variant in disease. Therefore, it has been classified as a Variant of Uncertain Significance.

NM_002968.3(SALL1):c.268C>G (p.Pro90Ala)

Gene: SALL1 (spalt like transcription factor 1; minus strand). Cytogenetic location: 16q12.1.
Variant type: single nucleotide variant.
Coding change: c.268C>G on transcript NM_002968.3 (MANE Select); coding-DNA position 268, C replaced by G.
Protein change: p.Pro90Ala; replaces proline 90 with alanine.
Molecular consequence: missense variant. On other transcripts: 5 prime UTR variant (1).
Genome position (GRCh38, 1-based): chr16:51,141,954, G>C on the plus strand (C>G on the coding strand, the complement: SALL1 is on the minus strand). VCF-style: chr16-51141954-G-C. GRCh37 (hg19) VCF-style: chr16-51175865-G-C.
Other names: c.-24C>G (NM_001127892.2); short protein forms P90A.
Identifiers: ClinVar variation 3702057 (VCV003702057.2).